The following is an entry in ClinVar:

ClinVar aggregate classification (germline): Uncertain significance (1 of 4 stars; one submission).

Conditions:
Ehlers-Danlos syndrome, classic type, 1 (EDSCL1). Also called: EHLERS-DANLOS SYNDROME, GRAVIS TYPE; EHLERS-DANLOS SYNDROME, SEVERE CLASSIC TYPE; Ehlers-Danlos syndrome, type 1; Ehlers-Danlos Syndrome, Classic Type, COL5A1-Related; EDS I. Identifiers: MedGen C0268335, MONDO:0019567, OMIM 130000.
Osteogenesis imperfecta type I (OI1). Also called: OI, TYPE I; OSTEOGENESIS IMPERFECTA TARDA; OSTEOGENESIS IMPERFECTA WITH BLUE SCLERAE; Osteogenesis imperfecta type 1; Lobstein's Disease; Lobstein disease. Identifiers: Orphanet 216796, Orphanet 666, MedGen C0023931, MONDO:0008146, OMIM 166200. Disease mechanism: loss of function.

Submission:

Labcorp Genetics (formerly Invitae), Labcorp
Classification: Uncertain significance for Osteogenesis imperfecta type I; Ehlers-Danlos syndrome, classic type, 1. Last evaluated: 2025-02-22. Review status: criteria provided, single submitter. Criteria: Invitae Variant Classification Sherloc (09022015). Collection method: clinical testing. Allele origin: germline.
Comment: This sequence change replaces threonine, which is neutral and polar, with isoleucine, which is neutral and non-polar, at codon 1311 of the COL1A2 protein (p.Thr1311Ile). This variant is not present in population databases (gnomAD no frequency). This variant has not been reported in the literature in individuals affected with COL1A2-related conditions. Invitae Evidence Modeling of protein sequence and biophysical properties (such as structural, functional, and spatial information, amino acid conservation, physicochemical variation, residue mobility, and thermodynamic stability) indicates that this missense variant is not expected to disrupt COL1A2 protein function with a negative predictive value of 95%. In summary, the available evidence is currently insufficient to determine the role of this variant in disease. Therefore, it has been classified as a Variant of Uncertain Significance.

NM_000089.4(COL1A2):c.3932C>T (p.Thr1311Ile)

Gene: COL1A2 (collagen type I alpha 2 chain; plus strand). Cytogenetic location: 7q21.3.
Variant type: single nucleotide variant.
Coding change: c.3932C>T on transcript NM_000089.4 (MANE Select); coding-DNA position 3932, C replaced by T.
Protein change: p.Thr1311Ile; replaces threonine 1311 with isoleucine.
Molecular consequence: missense variant.
Genome position (GRCh38, 1-based): chr7:94,429,408, C>T. VCF-style: chr7-94429408-C-T. GRCh37 (hg19) VCF-style: chr7-94058720-C-T.
Other names: short protein forms T1311I.
Identifiers: ClinVar variation 4789802 (VCV004789802.1).